The following is an entry in ClinVar:

NM_016507.4(CDK12):c.4418G>C (p.Arg1473Pro)

Gene: CDK12 (cyclin dependent kinase 12; plus strand). Cytogenetic location: 17q12.
Variant type: single nucleotide variant.
Coding change: c.4418G>C on transcript NM_016507.4 (MANE Select); coding-DNA position 4418, G replaced by C.
Protein change: p.Arg1473Pro; replaces arginine 1473 with proline.
Molecular consequence: missense variant.
Genome position (GRCh38, 1-based): chr17:39,531,261, G>C. VCF-style: chr17-39531261-G-C. GRCh37 (hg19) VCF-style: chr17-37687514-G-C.
Other names: c.4391G>C, p.Arg1464Pro (NM_015083.4); short protein forms R1464P, R1473P.
Identifiers: ClinVar variation 3830778 (VCV003830778.1).

ClinVar aggregate classification (germline): Uncertain significance (1 of 4 stars; one submission).

Submission:

Ambry Genetics
Classification: Uncertain significance. Last evaluated: 2025-03-08. Review status: criteria provided, single submitter. Criteria: Ambry Variant Classification Scheme 2023. Collection method: clinical testing. Allele origin: germline.
Comment: The p.R1473P variant (also known as c.4418G>C), located in coding exon 14 of the CDK12 gene, results from a G to C substitution at nucleotide position 4418. The arginine at codon 1473 is replaced by proline, an amino acid with dissimilar properties. This amino acid position is conserved. In addition, this alteration is predicted to be deleterious by in silico analysis. Based on the available evidence, the clinical significance of this variant remains unclear.